The following is an entry in ClinVar:

ClinVar aggregate classification (germline): Uncertain significance (1 of 4 stars; one submission).

Allele frequency attached by ClinVar (database versions not stated): gnomAD exomes below 0.00001.

Submission:

CeGaT Center for Human Genetics Tuebingen
Classification: Uncertain significance. Last evaluated: 2022-08-01. Review status: criteria provided, single submitter. Criteria: CeGaT Center For Human Genetics Tuebingen Variant Classification Criteria Version 2. Collection method: clinical testing. Allele origin: germline. Affected: yes. Observed: 1 variant allele.
Comment: BICRA: PM2

NM_001394372.1(BICRA):c.2800G>A (p.Ala934Thr)

Gene: BICRA (BRD4 interacting chromatin remodeling complex associated protein; plus strand). Cytogenetic location: 19q13.33.
Variant type: single nucleotide variant.
Coding change: c.2800G>A on transcript NM_001394372.1 (MANE Select); coding-DNA position 2800, G replaced by A.
Protein change: p.Ala934Thr; replaces alanine 934 with threonine.
Molecular consequence: missense variant.
Genome position (GRCh38, 1-based): chr19:47,694,631, G>A. VCF-style: chr19-47694631-G-A. GRCh37 (hg19) VCF-style: chr19-48197888-G-A.
Other names: c.2800G>A, p.Ala934Thr (NM_015711.3); short protein forms A934T.
Identifiers: ClinVar variation 2650178 (VCV002650178.24), dbSNP rs1973302591, ClinGen allele CA406621151.